The following is an entry in ClinVar:

ClinVar aggregate classification (germline): Uncertain significance (1 of 4 stars; one submission).

Allele frequency attached by ClinVar (database versions not stated): gnomAD exomes below 0.00001 and 0.00001; TOPMed below 0.00001; ExAC 0.00002; ESP Exome Variant Server 0.00015.

Submission:

Labcorp Genetics (formerly Invitae), Labcorp
Classification: Uncertain significance. Last evaluated: 2022-07-11. Review status: criteria provided, single submitter. Criteria: Invitae Variant Classification Sherloc (09022015). Collection method: clinical testing. Allele origin: germline.
Comment: This sequence change replaces serine, which is neutral and polar, with proline, which is neutral and non-polar, at codon 150 of the PEX11B protein (p.Ser150Pro). This variant is present in population databases (rs138583961, gnomAD 0.007%). This variant has not been reported in the literature in individuals affected with PEX11B-related conditions. ClinVar contains an entry for this variant (Variation ID: 966964). Algorithms developed to predict the effect of missense changes on protein structure and function (SIFT, PolyPhen-2, Align-GVGD) all suggest that this variant is likely to be tolerated. In summary, the available evidence is currently insufficient to determine the role of this variant in disease. Therefore, it has been classified as a Variant of Uncertain Significance.

NM_003846.3(PEX11B):c.448T>C (p.Ser150Pro)

Gene: PEX11B (peroxisomal biogenesis factor 11 beta; minus strand). Cytogenetic location: 1q21.1.
Variant type: single nucleotide variant.
Coding change: c.448T>C on transcript NM_003846.3 (MANE Select); coding-DNA position 448, T replaced by C.
Protein change: p.Ser150Pro; replaces serine 150 with proline.
Molecular consequence: missense variant. On other transcripts: non-coding transcript variant (3).
Genome position (GRCh38, 1-based): chr1:145,912,493, A>G on the plus strand (T>C on the coding strand, the complement: PEX11B is on the minus strand). VCF-style: chr1-145912493-A-G. GRCh37 (hg19) VCF-style: chr1-145522587-T-C.
Other names: c.406T>C, p.Ser136Pro (NM_001184795.1); short protein forms S150P, S136P.
Identifiers: ClinVar variation 966964 (VCV000966964.7), dbSNP rs138583961, ClinGen allele CA1055605.